The following is an entry in ClinVar:

ClinVar aggregate classification (germline): Uncertain significance (1 of 4 stars; one submission).

Conditions:
TTN-related disorder. Also called: TTN-related disorders; TTN-related condition; TTN-related disease.

gnomAD v4.1: 6 of 1,613,804 alleles (0.00037%); highest among the groups gnomAD compares: Non-Finnish European, 0.00051%; no homozygotes.

Submission:

PreventionGenetics, part of Exact Sciences
Classification: Uncertain significance for TTN-related condition. Last evaluated: 2026-07-24. Review status: criteria provided, single submitter. Criteria: ACMG Guidelines, 2015. Collection method: clinical testing. Allele origin: germline.
Comment: The TTN c.15949C>G variant is predicted to result in the amino acid substitution p.Gln5317Glu. To our knowledge, this variant has not been reported in the literature or in a large population database (gnomAD), indicating this variant is rare. At this time, the clinical significance of this variant is uncertain due to the absence of conclusive functional and genetic evidence.

NM_001267550.2(TTN):c.15949C>G (p.Gln5317Glu)

Gene: TTN (titin; minus strand). Cytogenetic location: 2q31.2.
Variant type: single nucleotide variant.
Coding change: c.15949C>G on transcript NM_001267550.2 (MANE Select); coding-DNA position 15949, C replaced by G.
Protein change: p.Gln5317Glu; replaces glutamine 5317 with glutamic acid.
Molecular consequence: missense variant. On other transcripts: intron variant (3).
Genome position (GRCh38, 1-based): chr2:178,733,344, G>C on the plus strand (C>G on the coding strand, the complement: TTN is on the minus strand). VCF-style: chr2-178733344-G-C. GRCh37 (hg19) VCF-style: chr2-179598071-G-C.
Other names: c.14998C>G, p.Gln5000Glu (NM_001256850.1); c.12217C>G, p.Gln4073Glu (NM_133378.4); c.13282+4738C>G (NM_003319.4); c.13858+4738C>G (NM_133437.4); c.13657+4738C>G (NM_133432.3); short protein forms Q5317E, Q5000E, Q4073E.
Identifiers: ClinVar variation 4983391 (VCV004983391.1).